The following is an entry in ClinVar:

ClinVar aggregate classification (germline): Uncertain significance (1 of 4 stars; one submission).

Submission:

CeGaT Center for Human Genetics Tuebingen
Classification: Uncertain significance. Last evaluated: 2024-12-01. Review status: criteria provided, single submitter. Criteria: CeGaT Center For Human Genetics Tuebingen Variant Classification Criteria Version 2. Collection method: clinical testing. Allele origin: germline. Affected: yes. Observed: 1 variant allele.
Comment: ZFX: PM2, PP2

NM_003410.4(ZFX):c.881C>G (p.Pro294Arg)

Gene: ZFX (zinc finger protein X-linked; plus strand). Cytogenetic location: Xp22.11.
Variant type: single nucleotide variant.
Coding change: c.881C>G on transcript NM_003410.4 (MANE Select); coding-DNA position 881, C replaced by G.
Protein change: p.Pro294Arg; replaces proline 294 with arginine.
Molecular consequence: missense variant.
Genome position (GRCh38, 1-based): chrX:24,207,796, C>G. VCF-style: chrX-24207796-C-G. GRCh37 (hg19) VCF-style: chrX-24225913-C-G.
Other names: c.881C>G, p.Pro294Arg (NM_001178084.2, NM_001178085.1, NM_001178095.2); c.194C>G, p.Pro65Arg (NM_001178086.2); c.998C>G, p.Pro333Arg (NM_001330327.2); short protein forms P294R, P333R, P65R.
Identifiers: ClinVar variation 3772034 (VCV003772034.13).